The following is an entry in ClinVar:

ClinVar aggregate classification (germline): Uncertain significance (1 of 4 stars; one submission).

Allele frequency attached by ClinVar (database versions not stated): gnomAD exomes below 0.00001; TOPMed below 0.00001; gnomAD 0.00001; ExAC 0.00002.
gnomAD v4.1: 3 of 1,614,048 alleles (0.00019%); highest among the groups gnomAD compares: Middle Eastern, 0.016%; no homozygotes.

Submission:

Labcorp Genetics (formerly Invitae), Labcorp
Classification: Uncertain significance. Last evaluated: 2023-12-28. Review status: criteria provided, single submitter. Criteria: Invitae Variant Classification Sherloc (09022015). Collection method: clinical testing. Allele origin: germline.
Comment: This sequence change replaces glycine, which is neutral and non-polar, with arginine, which is basic and polar, at codon 127 of the DHODH protein (p.Gly127Arg). This variant is present in population databases (rs767309772, gnomAD 0.02%). This variant has not been reported in the literature in individuals affected with DHODH-related conditions. Advanced modeling of protein sequence and biophysical properties (such as structural, functional, and spatial information, amino acid conservation, physicochemical variation, residue mobility, and thermodynamic stability) performed at Invitae indicates that this missense variant is expected to disrupt DHODH protein function with a positive predictive value of 80%. In summary, the available evidence is currently insufficient to determine the role of this variant in disease. Therefore, it has been classified as a Variant of Uncertain Significance.

NM_001361.5(DHODH):c.379G>A (p.Gly127Arg)

Gene: DHODH (dihydroorotate dehydrogenase (quinone); plus strand). Cytogenetic location: 16q22.2.
Variant type: single nucleotide variant.
Coding change: c.379G>A on transcript NM_001361.5 (MANE Select); coding-DNA position 379, G replaced by A.
Protein change: p.Gly127Arg; replaces glycine 127 with arginine.
Molecular consequence: missense variant.
Genome position (GRCh38, 1-based): chr16:72,014,617, G>A. VCF-style: chr16-72014617-G-A. GRCh37 (hg19) VCF-style: chr16-72048516-G-A.
Other names: short protein forms G127R.
Identifiers: ClinVar variation 2787787 (VCV002787787.3), dbSNP rs767309772, ClinGen allele CA8158602.